The following is an entry in ClinVar:

ClinVar aggregate classification (germline): Uncertain significance (1 of 4 stars; one submission).

Submission:

GeneDx
Classification: Uncertain significance. Last evaluated: 2022-10-05. Review status: criteria provided, single submitter. Criteria: GeneDx Variant Classification Process June 2021. Collection method: clinical testing. Allele origin: germline. Affected: yes.
Comment: Not observed at significant frequency in large population cohorts (gnomAD); In silico analysis supports that this missense variant has a deleterious effect on protein structure/function; Has not been previously published as pathogenic or benign to our knowledge; This variant is associated with the following publications: (PMID: 25641508)

NM_001278116.2(L1CAM):c.2006C>G (p.Pro669Arg)

Gene: L1CAM (L1 cell adhesion molecule; minus strand). Cytogenetic location: Xq28.
Variant type: single nucleotide variant.
Coding change: c.2006C>G on transcript NM_001278116.2 (MANE Select); coding-DNA position 2006, C replaced by G.
Protein change: p.Pro669Arg; replaces proline 669 with arginine.
Molecular consequence: missense variant.
Genome position (GRCh38, 1-based): chrX:153,867,487, G>C on the plus strand (C>G on the coding strand, the complement: L1CAM is on the minus strand). VCF-style: chrX-153867487-G-C. GRCh37 (hg19) VCF-style: chrX-153132942-G-C.
Other names: c.2006C>G, p.Pro669Arg (NM_000425.5, NM_024003.3); c.1991C>G, p.Pro664Arg (NM_001143963.2); short protein forms P664R, P669R.
Identifiers: ClinVar variation 2497775 (VCV002497775.1), dbSNP rs2520991628, ClinGen allele CA415122017.